The following is an entry in ClinVar:

ClinVar aggregate classification (germline): Uncertain significance. Review status: criteria provided, multiple submitters, no conflicts (2 of 4 stars). 2 submissions from 2 submitters: Uncertain significance (2). Last evaluated 2022-07-22.

Conditions:
Pulmonary hypertension, primary, 1 (PPH1). Also called: Pulmonary hypertension, familial primary, 1, with or without HHT. Identifiers: Orphanet 422, MedGen C4552070, MONDO:0024533, OMIM 178600.
Pulmonary venoocclusive disease 1 (PVOD1). Also called: Pulmonary venoocclusive disease 1, autosomal dominant. Identifiers: Orphanet 31837, MedGen C3887658, MONDO:0020713, OMIM 265450.
Primary pulmonary hypertension. Also called: Idiopathic pulmonary hypertension. Identifiers: MedGen C0152171.

Allele frequency attached by ClinVar (database versions not stated): gnomAD 0.00001.

Submissions (2):

Labcorp Genetics (formerly Invitae), Labcorp
Classification: Uncertain significance for Primary pulmonary hypertension. Last evaluated: 2022-07-22. Review status: criteria provided, single submitter. Criteria: Invitae Variant Classification Sherloc (09022015). Collection method: clinical testing. Allele origin: germline.
Comment: This sequence change replaces alanine, which is neutral and non-polar, with valine, which is neutral and non-polar, at codon 328 of the BMPR2 protein (p.Ala328Val). This variant is present in population databases (rs759940341, gnomAD 0.06%). This variant has not been reported in the literature in individuals affected with BMPR2-related conditions. ClinVar contains an entry for this variant (Variation ID: 1377673). Algorithms developed to predict the effect of missense changes on protein structure and function are either unavailable or do not agree on the potential impact of this missense change (SIFT: "Deleterious"; PolyPhen-2: "Probably Damaging"; Align-GVGD: "Class C0"). In summary, the available evidence is currently insufficient to determine the role of this variant in disease. Therefore, it has been classified as a Variant of Uncertain Significance.

Fulgent Genetics
Classification: Uncertain significance for Pulmonary hypertension, primary, 1; Pulmonary venoocclusive disease 1. Last evaluated: 2021-09-07. Review status: criteria provided, single submitter. Criteria: ACMG Guidelines, 2015. Collection method: clinical testing. Allele origin: unknown.

NM_001204.7(BMPR2):c.983C>T (p.Ala328Val)

Gene: BMPR2 (bone morphogenetic protein receptor type 2; plus strand). Cytogenetic location: 2q33.2.
Variant type: single nucleotide variant.
Coding change: c.983C>T on transcript NM_001204.7 (MANE Select); coding-DNA position 983, C replaced by T.
Protein change: p.Ala328Val; replaces alanine 328 with valine.
Molecular consequence: missense variant.
Genome position (GRCh38, 1-based): chr2:202,530,809, C>T. VCF-style: chr2-202530809-C-T. GRCh37 (hg19) VCF-style: chr2-203395532-C-T.
Other names: short protein forms A328V.
Identifiers: ClinVar variation 1377673 (VCV001377673.6), dbSNP rs759940341, ClinGen allele CA64023300.